The following is an entry in ClinVar:

ClinVar aggregate classification (germline): Uncertain significance (1 of 4 stars; one submission).

Conditions:
EAST syndrome (SESAMES). Also called: SEIZURES, SENSORINEURAL DEAFNESS, ATAXIA, IMPAIRED INTELLECTUAL DEVELOPMENT, AND ELECTROLYTE IMBALANCE. Identifiers: Orphanet 199343, MedGen C2748572, MONDO:0013005, OMIM 612780.

Submission:

Labcorp Genetics (formerly Invitae), Labcorp
Classification: Uncertain significance for EAST syndrome. Last evaluated: 2022-02-04. Review status: criteria provided, single submitter. Criteria: Invitae Variant Classification Sherloc (09022015). Collection method: clinical testing. Allele origin: germline.
Comment: This sequence change replaces serine, which is neutral and polar, with alanine, which is neutral and non-polar, at codon 338 of the KCNJ10 protein (p.Ser338Ala). This variant is not present in population databases (gnomAD no frequency). This variant has not been reported in the literature in individuals affected with KCNJ10-related conditions. ClinVar contains an entry for this variant (Variation ID: 845861). Algorithms developed to predict the effect of missense changes on protein structure and function (SIFT, PolyPhen-2, Align-GVGD) all suggest that this variant is likely to be tolerated. In summary, the available evidence is currently insufficient to determine the role of this variant in disease. Therefore, it has been classified as a Variant of Uncertain Significance.

NM_002241.5(KCNJ10):c.1012T>G (p.Ser338Ala)

Gene: KCNJ10 (potassium inwardly rectifying channel subfamily J member 10; minus strand). Cytogenetic location: 1q23.2.
Variant type: single nucleotide variant.
Coding change: c.1012T>G on transcript NM_002241.5 (MANE Select); coding-DNA position 1012, T replaced by G.
Protein change: p.Ser338Ala; replaces serine 338 with alanine.
Molecular consequence: missense variant.
Genome position (GRCh38, 1-based): chr1:160,041,521, A>C on the plus strand (T>G on the coding strand, the complement: KCNJ10 is on the minus strand). VCF-style: chr1-160041521-A-C. GRCh37 (hg19) VCF-style: chr1-160011311-A-C.
Other names: short protein forms S338A.
Identifiers: ClinVar variation 845861 (VCV000845861.7), dbSNP rs1034857467, ClinGen allele CA343222658.